The following is an entry in ClinVar:

ClinVar aggregate classification (germline): Uncertain significance (1 of 4 stars; one submission).

Conditions:
Hereditary cancer-predisposing syndrome. Also called: Hereditary neoplastic syndrome; Neoplastic Syndromes, Hereditary; Tumor predisposition; Hereditary Cancer Syndrome. Identifiers: Orphanet 140162, MedGen C0027672, MeSH D009386, MONDO:0015356.

Submission:

Ambry Genetics
Classification: Uncertain significance for Hereditary cancer-predisposing syndrome. Last evaluated: 2025-07-18. Review status: criteria provided, single submitter. Criteria: Ambry Variant Classification Scheme 2023. Collection method: clinical testing. Allele origin: germline.
Comment: The p.I1633T variant (also known as c.4898T>C), located in coding exon 37 of the POLE gene, results from a T to C substitution at nucleotide position 4898. The isoleucine at codon 1633 is replaced by threonine, an amino acid with similar properties. This amino acid position is conserved. In addition, the in silico prediction for this alteration is inconclusive. Based on the available evidence, the clinical significance of this variant remains unclear.

NM_006231.4(POLE):c.4898T>C (p.Ile1633Thr)

Gene: POLE (DNA polymerase epsilon, catalytic subunit; minus strand). Cytogenetic location: 12q24.33.
Variant type: single nucleotide variant.
Coding change: c.4898T>C on transcript NM_006231.4 (MANE Select); coding-DNA position 4898, T replaced by C.
Protein change: p.Ile1633Thr; replaces isoleucine 1633 with threonine.
Molecular consequence: missense variant.
Genome position (GRCh38, 1-based): chr12:132,642,560, A>G on the plus strand (T>C on the coding strand, the complement: POLE is on the minus strand). VCF-style: chr12-132642560-A-G. GRCh37 (hg19) VCF-style: chr12-133219146-A-G.
Other names: short protein forms I1633T.
Identifiers: ClinVar variation 4141166 (VCV004141166.1).